The following is an entry in ClinVar:

NM_003504.5(CDC45):c.677A>G (p.Asp226Gly)

Gene: CDC45 (cell division cycle 45; plus strand). Cytogenetic location: 22q11.21.
Variant type: single nucleotide variant.
Coding change: c.677A>G on transcript NM_003504.5 (MANE Select); coding-DNA position 677, A replaced by G.
Protein change: p.Asp226Gly; replaces aspartic acid 226 with glycine.
Molecular consequence: missense variant. On other transcripts: non-coding transcript variant (1).
Genome position (GRCh38, 1-based): chr22:19,499,124, A>G. VCF-style: chr22-19499124-A-G. GRCh37 (hg19) VCF-style: chr22-19486647-A-G.
Other names: c.773A>G, p.Asp258Gly (NM_001178010.2); c.539A>G, p.Asp180Gly (NM_001178011.2); c.641A>G, p.Asp214Gly (NM_001369291.1); short protein forms D226G, D258G, D180G, D214G.
Identifiers: ClinVar variation 253097 (VCV000253097.2), dbSNP rs754080445, ClinGen allele CA10101192.

ClinVar aggregate classification (germline): Likely pathogenic. Review status: criteria provided, single submitter (1 of 4 stars). 2 submissions from 2 submitters: Likely pathogenic (1). 1 of the submissions does not count toward it. Last evaluated 2018-10-15.

Conditions:
Meier-Gorlin syndrome 7. Identifiers: Orphanet 2554, MedGen C4310738, MONDO:0014894, OMIM 617063. Disease mechanism: loss of function.

Allele frequency attached by ClinVar (database versions not stated): gnomAD exomes below 0.00001 and 0.00002; ExAC 0.00002.

Submissions (2):

SIB Swiss Institute of Bioinformatics
Classification: Likely pathogenic for Meier-Gorlin syndrome 7. Last evaluated: 2018-10-15. Review status: criteria provided, single submitter. Criteria: ACMG Guidelines, 2015. Collection method: curation. Allele origin: unknown.
Comment: This variant is interpreted as Likely Pathogenic, for Meier-Gorlin syndrome 7, autosomal recessive. The following ACMG Tag(s) were applied: PM2 => Absent from controls (or at extremely low frequency if recessive) in Exome Sequencing Project, 1000 Genomes Project, or Exome Aggregation Consortium. PS3 => Well-established functional studies show a deleterious effect (PubMed 27374770).

OMIM
Classification: Pathogenic for MEIER-GORLIN SYNDROME 7. Last evaluated: 2016-10-20. Review status: no assertion criteria provided. Collection method: literature only. Allele origin: germline. Not counted in ClinVar's aggregate classification.

Literature cited by the submitters: PubMed 27374770 (cited by SIB Swiss Institute of Bioinformatics and OMIM).